The following is an entry in ClinVar:

NM_001134363.3(RBM20):c.2176C>G (p.Arg726Gly)

Gene: RBM20 (RNA binding motif protein 20; plus strand). Cytogenetic location: 10q25.2.
Variant type: single nucleotide variant.
Coding change: c.2176C>G on transcript NM_001134363.3 (MANE Select); coding-DNA position 2176, C replaced by G.
Protein change: p.Arg726Gly; replaces arginine 726 with glycine.
Molecular consequence: missense variant.
Genome position (GRCh38, 1-based): chr10:110,812,573, C>G. VCF-style: chr10-110812573-C-G. GRCh37 (hg19) VCF-style: chr10-112572331-C-G.
Other names: short protein forms R726G.
Identifiers: ClinVar variation 2167441 (VCV002167441.5), dbSNP rs1393804220, ClinGen allele CA378372391.
Genomic context (GRCh38, chr10:110,812,573, plus strand): 5'-CCCTGGGCACATGATCGCAAACACCACCCCCGGCAACTGGACAAGGCTGAGTTGGACGAG[C>G]GACCAGAAGGAGGGAGGCCCCACCGGGAGAAGTACCCGAGATCTGGGTCTCCCAACCTGC-3'
Protein context (NP_001127835.2, residues 716-736): RQLDKAELDE[Arg726Gly]PEGGRPHREK

ClinVar aggregate classification (germline): Uncertain significance. Review status: criteria provided, multiple submitters, no conflicts (2 of 4 stars). 2 submissions from 2 submitters: Uncertain significance (2). Last evaluated 2026-01-14.

Conditions:
Cardiovascular phenotype. Identifiers: MedGen CN230736.
Dilated cardiomyopathy 1DD (CMD1DD). Identifiers: Orphanet 154, MedGen C2750995, MONDO:0013168, OMIM 613172.

gnomAD v4.1: 1 of 1,551,686 alleles (0.000064%); highest among the groups gnomAD compares: Non-Finnish European, 0.000087%; no homozygotes.

Submissions (2):

Labcorp Genetics (formerly Invitae), Labcorp
Classification: Uncertain significance for Dilated cardiomyopathy 1DD. Last evaluated: 2026-01-14. Review status: criteria provided, single submitter. Criteria: Invitae Variant Classification Sherloc (09022015). Collection method: clinical testing. Allele origin: germline.
Comment: This sequence change replaces arginine, which is basic and polar, with glycine, which is neutral and non-polar, at codon 726 of the RBM20 protein (p.Arg726Gly). This variant is not present in population databases (gnomAD no frequency). This variant has not been reported in the literature in individuals affected with RBM20-related conditions. ClinVar contains an entry for this variant (Variation ID: 2167441). Invitae Evidence Modeling of protein sequence and biophysical properties (such as structural, functional, and spatial information, amino acid conservation, physicochemical variation, residue mobility, and thermodynamic stability) indicates that this missense variant is not expected to disrupt RBM20 protein function with a negative predictive value of 95%. In summary, the available evidence is currently insufficient to determine the role of this variant in disease. Therefore, it has been classified as a Variant of Uncertain Significance.

Ambry Genetics
Classification: Uncertain significance for Cardiovascular phenotype. Last evaluated: 2022-01-26. Review status: criteria provided, single submitter. Criteria: Ambry Variant Classification Scheme 2023. Collection method: clinical testing. Allele origin: germline.